The following is an entry in ClinVar:

NM_001099274.3(TINF2):c.932T>C (p.Ile311Thr)

Gene: TINF2 (TERF1 interacting nuclear factor 2; minus strand). Cytogenetic location: 14q12.
Variant type: single nucleotide variant.
Coding change: c.932T>C on transcript NM_001099274.3 (MANE Select); coding-DNA position 932, T replaced by C.
Protein change: p.Ile311Thr; replaces isoleucine 311 with threonine.
Molecular consequence: missense variant.
Genome position (GRCh38, 1-based): chr14:24,240,548, A>G on the plus strand (T>C on the coding strand, the complement: TINF2 is on the minus strand). VCF-style: chr14-24240548-A-G. GRCh37 (hg19) VCF-style: chr14-24709754-A-G.
Other names: c.827T>C, p.Ile276Thr (NM_001363668.2); c.932T>C, p.Ile311Thr (NM_012461.3); short protein forms I276T, I311T.
Identifiers: ClinVar variation 1042066 (VCV001042066.13), dbSNP rs757221051, ClinGen allele CA7130543.

ClinVar aggregate classification (germline): Conflicting classifications of pathogenicity. Review status: criteria provided, conflicting classifications (1 of 4 stars). 4 submissions from 4 submitters: Uncertain significance (3); Likely benign (1). Last evaluated 2026-03-11.

Conditions:
Dyskeratosis congenita. Identifiers: Orphanet 1775, MedGen C0265965, MONDO:0015780.
Revesz syndrome. Also called: DYSKERATOSIS CONGENITA, AUTOSOMAL DOMINANT 5; EXUDATIVE RETINOPATHY WITH BONE MARROW FAILURE. Identifiers: Orphanet 3088, MedGen C1327916, MONDO:0009990, OMIM 268130.
Dyskeratosis congenita, autosomal dominant 3. Identifiers: MedGen C3151445, MONDO:0013522, OMIM 613990.

Allele frequency attached by ClinVar (database versions not stated): gnomAD 0.00001; gnomAD exomes 0.00001 and 0.00003; TOPMed 0.00001; ExAC 0.00002.

Submissions (4):

Women's Health and Genetics/Laboratory Corporation of America, LabCorp
Classification: Uncertain significance. Last evaluated: 2026-03-11. Review status: criteria provided, single submitter. Criteria: LabCorp Variant Classification Summary - May 2015. Collection method: clinical testing. Allele origin: germline.
Comment: Variant summary: TINF2 c.932T>C (p.Ile311Thr) results in a non-conservative amino acid change in the encoded protein sequence. Algorithms developed to predict the effect of missense changes on protein structure and function are either unavailable or do not agree on the potential impact of this missense change. The variant allele was found at a frequency of 2.8e-05 in 249580 control chromosomes (gnomAD). The available data on variant occurrences in the general population are insufficient to allow any conclusion about variant significance. c.932T>C has been observed in an individual affected with immunodeficiency (Rolles_2023). These report(s) do not provide unequivocal conclusions about association of the variant with TINF2-Related Disorders. To our knowledge, no experimental evidence demonstrating an impact on protein function has been reported. However, sequence comparison with other vertebrate species indicates the variant is located to a moderately conserved region, and the Ile to Thr substitution at this codon is phylogenetically not constrained (e.g. PMID 29358731). The following publication has been ascertained in the context of this evaluation (PMID: 37944684). ClinVar contains an entry for this variant (Variation ID: 1042066). Based on the evidence outlined above, the variant was classified as uncertain significance.

Blueprint Genetics
Classification: Likely benign. Last evaluated: 2024-08-31. Review status: criteria provided, single submitter. Criteria: ACMG Guidelines, 2015. Collection method: clinical testing. Allele origin: germline.

Fulgent Genetics
Classification: Uncertain significance for Revesz syndrome; Dyskeratosis congenita, autosomal dominant 3. Last evaluated: 2024-06-07. Review status: criteria provided, single submitter. Criteria: ACMG Guidelines, 2015. Collection method: clinical testing. Allele origin: germline.

Labcorp Genetics (formerly Invitae), Labcorp
Classification: Uncertain significance for Dyskeratosis congenita. Last evaluated: 2023-12-11. Review status: criteria provided, single submitter. Criteria: Invitae Variant Classification Sherloc (09022015). Collection method: clinical testing. Allele origin: germline.
Comment: This sequence change replaces isoleucine, which is neutral and non-polar, with threonine, which is neutral and polar, at codon 311 of the TINF2 protein (p.Ile311Thr). The frequency data for this variant in the population databases is considered unreliable, as metrics indicate poor data quality at this position in the gnomAD database. This variant has not been reported in the literature in individuals affected with TINF2-related conditions. ClinVar contains an entry for this variant (Variation ID: 1042066). Algorithms developed to predict the effect of missense changes on protein structure and function output the following: SIFT: "Not Available"; PolyPhen-2: "Benign"; Align-GVGD: "Not Available". The threonine amino acid residue is found in multiple mammalian species, which suggests that this missense change does not adversely affect protein function. In summary, the available evidence is currently insufficient to determine the role of this variant in disease. Therefore, it has been classified as a Variant of Uncertain Significance.

Literature cited by the submitters: PubMed 37944684 (cited by Women's Health and Genetics/Laboratory Corporation of America, LabCorp).